The following is an entry in ClinVar:

ClinVar aggregate classification (germline): Uncertain significance (1 of 4 stars; one submission).

Submission:

Labcorp Genetics (formerly Invitae), Labcorp
Classification: Uncertain significance. Last evaluated: 2022-08-10. Review status: criteria provided, single submitter. Criteria: Invitae Variant Classification Sherloc (09022015). Collection method: clinical testing. Allele origin: germline.
Comment: Algorithms developed to predict the effect of missense changes on protein structure and function (SIFT, PolyPhen-2, Align-GVGD) all suggest that this variant is likely to be tolerated. In summary, the available evidence is currently insufficient to determine the role of this variant in disease. Therefore, it has been classified as a Variant of Uncertain Significance. ClinVar contains an entry for this variant (Variation ID: 1492237). This sequence change replaces leucine, which is neutral and non-polar, with arginine, which is basic and polar, at codon 152 of the ADGRV1 protein (p.Leu152Arg). This variant is not present in population databases (gnomAD no frequency). This variant has not been reported in the literature in individuals affected with ADGRV1-related conditions.

NM_032119.4(ADGRV1):c.455T>G (p.Leu152Arg)

Gene: ADGRV1 (adhesion G protein-coupled receptor V1; plus strand). Cytogenetic location: 5q14.3.
Variant type: single nucleotide variant.
Coding change: c.455T>G on transcript NM_032119.4 (MANE Select); coding-DNA position 455, T replaced by G.
Protein change: p.Leu152Arg; replaces leucine 152 with arginine.
Molecular consequence: missense variant. On other transcripts: non-coding transcript variant (1).
Genome position (GRCh38, 1-based): chr5:90,622,598, T>G. VCF-style: chr5-90622598-T-G. GRCh37 (hg19) VCF-style: chr5-89918415-T-G.
Other names: short protein forms L152R.
Identifiers: ClinVar variation 1492237 (VCV001492237.6), dbSNP rs2152065325, ClinGen allele CA360362768.